The following is an entry in ClinVar:

ClinVar aggregate classification (germline): Uncertain significance. Review status: criteria provided, multiple submitters, no conflicts (2 of 4 stars). 2 submissions from 2 submitters: Uncertain significance (2). Last evaluated 2025-11-03.

Allele frequency attached by ClinVar (database versions not stated): ExAC 0.00001; gnomAD 0.00001; gnomAD exomes 0.00001.
gnomAD v4.1: 20 of 1,613,898 alleles (0.0012%); highest among the groups gnomAD compares: Non-Finnish European, 0.0017%; no homozygotes.

Submissions (2):

Labcorp Genetics (formerly Invitae), Labcorp
Classification: Uncertain significance. Last evaluated: 2025-11-03. Review status: criteria provided, single submitter. Criteria: Invitae Variant Classification Sherloc (09022015). Collection method: clinical testing. Allele origin: germline.
Comment: This sequence change replaces lysine, which is basic and polar, with arginine, which is basic and polar, at codon 1215 of the ITPR1 protein (p.Lys1215Arg). This variant is present in population databases (rs748340575, gnomAD 0.002%). This variant has not been reported in the literature in individuals affected with ITPR1-related conditions. ClinVar contains an entry for this variant (Variation ID: 1903603). Invitae Evidence Modeling of protein sequence and biophysical properties (such as structural, functional, and spatial information, amino acid conservation, physicochemical variation, residue mobility, and thermodynamic stability) indicates that this missense variant is not expected to disrupt ITPR1 protein function with a negative predictive value of 95%. In summary, the available evidence is currently insufficient to determine the role of this variant in disease. Therefore, it has been classified as a Variant of Uncertain Significance.

Athena Diagnostics
Classification: Uncertain significance. Last evaluated: 2024-08-26. Review status: criteria provided, single submitter. Criteria: Athena Diagnostics Criteria. Collection method: clinical testing. Allele origin: unknown.
Comment: Available data are insufficient to determine the clinical significance of the variant at this time. The frequency of this variant in the general population is uninformative in assessment of its pathogenicity. Polyphen and MutationTaster predict this amino acid change may be benign.

NM_001378452.1(ITPR1):c.3716A>G (p.Lys1239Arg)

Gene: ITPR1 (inositol 1,4,5-trisphosphate receptor type 1; plus strand). Cytogenetic location: 3p26.1.
Variant type: single nucleotide variant.
Coding change: c.3716A>G on transcript NM_001378452.1 (MANE Select); coding-DNA position 3716, A replaced by G.
Protein change: p.Lys1239Arg; replaces lysine 1239 with arginine.
Molecular consequence: missense variant.
Genome position (GRCh38, 1-based): chr3:4,688,508, A>G. VCF-style: chr3-4688508-A-G. GRCh37 (hg19) VCF-style: chr3-4730192-A-G.
Other names: c.3689A>G, p.Lys1230Arg (NM_001099952.4); c.3671A>G, p.Lys1224Arg (NM_001168272.2); c.3644A>G, p.Lys1215Arg (NM_002222.7); c.3671A>G (NM_001168272.1); short protein forms K1215R, K1239R, K1224R, K1230R.
Identifiers: ClinVar variation 1903603 (VCV001903603.6), dbSNP rs748340575, ClinGen allele CA2231797.